The following is an entry in ClinVar:

NM_020693.4(DSCAML1):c.2630G>A (p.Arg877Gln)

Gene: DSCAML1 (DS cell adhesion molecule like 1; minus strand). Cytogenetic location: 11q23.3.
Variant type: single nucleotide variant.
Coding change: c.2630G>A on transcript NM_020693.4 (MANE Select); coding-DNA position 2630, G replaced by A.
Protein change: p.Arg877Gln; replaces arginine 877 with glutamine.
Molecular consequence: missense variant.
Genome position (GRCh38, 1-based): chr11:117,481,200, C>T on the plus strand (G>A on the coding strand, the complement: DSCAML1 is on the minus strand). VCF-style: chr11-117481200-C-T. GRCh37 (hg19) VCF-style: chr11-117351915-C-T.
Other names: c.2630G>A, p.Arg877Gln (NM_001367904.1); short protein forms R877Q.
Identifiers: ClinVar variation 1970427 (VCV001970427.5), dbSNP rs2543164026, ClinGen allele CA382747291.

ClinVar aggregate classification (germline): Uncertain significance (1 of 4 stars; one submission).

gnomAD v4.1: 1 of 1,613,840 alleles (0.000062%); highest among the groups gnomAD compares: Non-Finnish European, 0.000085%; no homozygotes.

Submission:

Labcorp Genetics (formerly Invitae), Labcorp
Classification: Uncertain significance. Last evaluated: 2022-03-14. Review status: criteria provided, single submitter. Criteria: Invitae Variant Classification Sherloc (09022015). Collection method: clinical testing. Allele origin: germline.
Comment: This variant is not present in population databases (gnomAD no frequency). This sequence change replaces arginine, which is basic and polar, with glutamine, which is neutral and polar, at codon 937 of the DSCAML1 protein (p.Arg937Gln). This variant has not been reported in the literature in individuals affected with DSCAML1-related conditions. In summary, the available evidence is currently insufficient to determine the role of this variant in disease. Therefore, it has been classified as a Variant of Uncertain Significance. Algorithms developed to predict the effect of missense changes on protein structure and function are either unavailable or do not agree on the potential impact of this missense change (SIFT: "Deleterious"; PolyPhen-2: "Benign"; Align-GVGD: "Class C35").